The following continues an entry in ClinVar:

NM_000059.4(BRCA2):c.9271G>A (p.Val3091Ile)

Gene: BRCA2. ClinVar aggregate classification (germline): Conflicting classifications of pathogenicity. Uncertain significance (5); Benign (2); Likely benign (5).

Submissions 13 to 16 of 16:

Counsyl
Classification: Uncertain significance for Breast-ovarian cancer, familial, susceptibility to, 2. Last evaluated: 2016-09-01. Review status: no assertion criteria provided. Collection method: clinical testing. Allele origin: unknown. Not counted in ClinVar's aggregate classification.

Research Molecular Genetics Laboratory, Women's College Hospital, University of Toronto
Classification: Uncertain significance. Last evaluated: 2014-01-31. Review status: no assertion criteria provided. Collection method: research. Allele origin: germline. Affected: yes. Study: The Canadian Open Genetics Repository (COGR). Not counted in ClinVar's aggregate classification.

Sharing Clinical Reports Project (SCRP)
Classification: Likely benign for Breast-ovarian cancer, familial 2. Last evaluated: 2012-05-01. Review status: no assertion criteria provided. Collection method: clinical testing. Allele origin: germline. Not counted in ClinVar's aggregate classification.

Breast Cancer Information Core (BIC) (BRCA2)
Classification: Uncertain significance for Breast-ovarian cancer, familial 2. Last evaluated: 2002-12-23. Review status: no assertion criteria provided. Collection method: clinical testing. Allele origin: germline. Affected: yes. Observed: 1 variant allele. Not counted in ClinVar's aggregate classification.

Literature cited by the submitters: PubMed 31396961 (cited by Quest Diagnostics Nichols Institute San Juan Capistrano and Women's Health and Genetics/Laboratory Corporation of America, LabCorp); PubMed 28726806 (cited by Quest Diagnostics Nichols Institute San Juan Capistrano and Women's Health and Genetics/Laboratory Corporation of America, LabCorp); PubMed 27376475 (cited by 3 submitters); PubMed 26681674 (cited by Quest Diagnostics Nichols Institute San Juan Capistrano and Women's Health and Genetics/Laboratory Corporation of America, LabCorp); PubMed 32467295 (cited by Quest Diagnostics Nichols Institute San Juan Capistrano); PubMed 33471991 (cited by Quest Diagnostics Nichols Institute San Juan Capistrano); PubMed 29884841 (cited by 3 submitters); PubMed 22970155 (cited by 3 submitters); PubMed 25583476 (cited by 3 submitters); PubMed 29360161 (cited by Quest Diagnostics Nichols Institute San Juan Capistrano and Women's Health and Genetics/Laboratory Corporation of America, LabCorp); PubMed 32438681 (cited by Quest Diagnostics Nichols Institute San Juan Capistrano and Women's Health and Genetics/Laboratory Corporation of America, LabCorp); PubMed 19043619 (cited by Quest Diagnostics Nichols Institute San Juan Capistrano); PubMed 21671020 (cited by 4 submitters); PubMed 23328489 (cited by 4 submitters); PubMed 24916970 (cited by 4 submitters); PubMed 30287823 (cited by 3 submitters); PubMed 35534704 (cited by Quest Diagnostics Nichols Institute San Juan Capistrano); PubMed 37922907 (cited by Quest Diagnostics Nichols Institute San Juan Capistrano); PubMed 36243179 (cited by Quest Diagnostics Nichols Institute San Juan Capistrano); PubMed 37731132 (cited by Quest Diagnostics Nichols Institute San Juan Capistrano); PubMed 24323938 (cited by Women's Health and Genetics/Laboratory Corporation of America, LabCorp).